The following is an entry in ClinVar:

ClinVar aggregate classification (germline): Pathogenic. Review status: criteria provided, multiple submitters, no conflicts (2 of 4 stars). 8 submissions from 8 submitters: Pathogenic (7). 1 of the submissions does not count toward it. Last evaluated 2025-10-21.

Conditions:
Cardiovascular phenotype. Identifiers: MedGen CN230736.
PTPN11-related disorder. Also called: PTPN11-Related Disorders.
RASopathy. Also called: rasopathies; Noonan spectrum disorder. Identifiers: Orphanet 536391, MedGen C5555857, MONDO:0021060.
Noonan syndrome 1 (NS1). Also called: FEMALE PSEUDO-TURNER SYNDROME; TURNER PHENOTYPE WITH NORMAL KARYOTYPE; PTPN11-Related Noonan Syndrome. Identifiers: Orphanet 648, MedGen C4551602, MONDO:0008104, OMIM 163950. Disease mechanism: gain of function.
Noonan syndrome 3 (NS3). Also called: KRAS-Related Noonan Syndrome. Identifiers: Orphanet 648, MedGen C1860991, MONDO:0012371, OMIM 609942.

Submissions (8):

Prenatal Diagnosis Unit, University Medical Center at Ho Chi Minh City, University of Medicine and Pharmacy at Ho Chi Minh City
Classification: Pathogenic for Noonan syndrome 1. Last evaluated: 2025-10-21. Review status: criteria provided, single submitter. Criteria: ACMG Guidelines, 2015. Collection method: provider interpretation. Allele origin: de novo. Inheritance: Autosomal dominant inheritance. Affected: yes. Observed: 1 variant allele.
Comment: Missense variants in this gene including our case were identified in multiple individuals with confirmed or suspected Noonan syndrome, multiple of cases were de novo (PMID: 32164556, 11992261, 25097206, 26242988, 24803665, 27521173, 26817465, 12634870, 24150203, 28607217, 30417923, 26918529, 30050098, 29907801, 31560489, 30755392, 33300679, 33502061, 32719394, 27535533, 15834506, 9491886, 16053901, 29493581). This variant is absent in 121392 control chromosomes (gnomAD) while it was reported in several Noonan Syndrome patients. Different amino acid substitutions affecting the same amino acid (p.Asp61His, p.Asp61Ala, p.Asp61Gly) and nearby amino acids (p.Gly60Ser, p.Gly60Cys, p.Gly60Ala, p.Gly60Val, p.Tyr62Asn, p.Tyr62Asp, p.Tyr62Cys) have been reported as pathogenic (Human Gene Mutation Database, Clinvar, PMID: 15834506, 16358218, 24150203, 26242988, 27521173). 4/4 in silico tools (PolyPhen2, Align GVGD, REVEL) predicted a damaging outcome for this variant. In conclusion, this variant is classified as a pathogenic variant according to the ACMG/AMP 2015 guidelines, based on criteria PS1, PS2_Moderate, PS4, PM2, PP2, PP3.

Institute of Medical Genetics and Applied Genomics, University Hospital Tübingen
Classification: Pathogenic for Noonan syndrome 1. Last evaluated: 2024-08-27. Review status: criteria provided, single submitter. Criteria: ACMG Guidelines, 2015. Collection method: clinical testing. Allele origin: de novo. Inheritance: Autosomal dominant inheritance. Affected: yes.

Labcorp Genetics (formerly Invitae), Labcorp
Classification: Pathogenic for RASopathy. Last evaluated: 2024-01-25. Review status: criteria provided, single submitter. Criteria: Invitae Variant Classification Sherloc (09022015). Collection method: clinical testing. Allele origin: germline.
Comment: This sequence change replaces aspartic acid, which is acidic and polar, with histidine, which is basic and polar, at codon 61 of the PTPN11 protein (p.Asp61His). This variant is not present in population databases (gnomAD no frequency). This missense change has been observed in individual(s) with clinical features of Noonan syndrome (PMID: 20112233). In at least one individual the variant was observed to be de novo. ClinVar contains an entry for this variant (Variation ID: 40494). Advanced modeling of protein sequence and biophysical properties (such as structural, functional, and spatial information, amino acid conservation, physicochemical variation, residue mobility, and thermodynamic stability) performed at Invitae indicates that this missense variant is expected to disrupt PTPN11 protein function with a positive predictive value of 95%. This variant disrupts the p.Asp61 amino acid residue in PTPN11. Other variant(s) that disrupt this residue have been determined to be pathogenic (PMID: 15834506, 16358218, 24150203, 26242988, 27521173). This suggests that this residue is clinically significant, and that variants that disrupt this residue are likely to be disease-causing. For these reasons, this variant has been classified as Pathogenic.

Ambry Genetics
Classification: Pathogenic for Cardiovascular phenotype. Last evaluated: 2020-05-22. Review status: criteria provided, single submitter. Criteria: Ambry Variant Classification Scheme 2023. Collection method: clinical testing. Allele origin: germline.
Comment: The p.D61H pathogenic mutation (also known as c.181G>C), located in coding exon 3 of the PTPN11 gene, results from a G to C substitution at nucleotide position 181. The aspartic acid at codon 61 is replaced by histidine, an amino acid with similar properties. This mutation occurred de novo in a fetus with an increased nuchal translucency (NT), jugular lymphatic sacs, pericardial effusion, atrioventricular septal defect, dilated renal pelvices, short femurs, webbing of neck, ocular hypertelorism, and posteriorly rotated low set ears (Houweling AC et al. Prenat. Diagn., 2010 Mar;30:284-6). It was also identified in tow additional fetuses with increased NTs; however, details were limited (Leach NT et al. Genet. Med., 2019 02;21:417-425). This mutation was also identified in two infants with Noonan syndrome and juvenile myelomonocytic leukemia (Strullu M et al. J. Med. Genet., 2014 Oct;51:689-97). A known disease-causing mutation, p.D61N, has also been described in the same codon in multiple individuals with confirmed or suspected Noonan syndrome, including multiple de novo cases (Tartaglia M et al. Am. J. Hum. Genet., 2002 Jun;70:1555-63; Ferreira LV et al. J. Clin. Endocrinol. Metab., 2005 Sep;90:5156-60; Ferrero GB et al. Eur J Med Genet Jul;51:566-72; Derbent M et al. Am. J. Med. Genet. A, 2010 Nov;152A:2768-74; Lee BH et al. J. Pediatr., 2011 Dec;159:1029-35; Pasmant E et al. Am. J. Med. Genet. A, 2012 Sep;158A:2290-1; Strullu M et al. J. Med. Genet., 2014 Oct;51:689-97; van Trier DC et al. Int. J. Pediatr. Otorhinolaryngol., 2015 Jun;79:874-8; Atik T et al. Indian J Pediatr, 2016 Jun;83:517-21; Joyce S et al. Eur. J. Hum. Genet., 2016 May;24:690-6). Based on the supporting evidence, the p.D61H alteration is interpreted as a disease-causing mutation.

Blueprint Genetics
Classification: Pathogenic for PTPN11-related disorders. Last evaluated: 2019-11-15. Review status: criteria provided, single submitter. Criteria: ACMG Guidelines, 2015. Collection method: clinical testing. Allele origin: de novo. Affected: yes. Observed: 1 variant allele.

GeneDx
Classification: Pathogenic. Last evaluated: 2018-01-15. Review status: criteria provided, single submitter. Criteria: GeneDx Variant Classification (06012015). Collection method: clinical testing. Allele origin: germline. Affected: yes.
Comment: The D61H pathogenic variant in the PTPN11 gene has been reported previously as de novo and in association with Noonan syndrome (Houweling et al., 2010). This variant is not observed in large population cohorts (Lek et al., 2016). D61H is a non-conservative amino acid substitution, which is likely to impact secondary protein structure as these residues differ in polarity, charge, size and/or other properties. It lies in the N-SH2 domain of the gene, which is a hot spot for Noonan syndrome variants and is the first of two sites involved in switching the protein between its inactive and active conformations. In-silico analyses, including protein predictors and evolutionary conservation, support a deleterious effect. Missense variants in the same (D61N/G/A) and nearby residues (I56V, N58H/D/K, T59A, G60C/S/A, Y62D/N/C, Y63C) have been reported in the Human Gene Mutation Database in association with RASopathies (Stenson et al., 2014), supporting the functional importance of this region of the protein. We interpret this variant to be pathogenic.

Women's Health and Genetics/Laboratory Corporation of America, LabCorp
Classification: Pathogenic for Noonan syndrome 3. Last evaluated: 2016-06-06. Review status: criteria provided, single submitter. Criteria: LabCorp Variant Classification Summary - May 2015. Collection method: clinical testing. Allele origin: germline.
Comment: Variant summary: The PTPN11 c.181G>C (p.Asp61His) variant involves the alteration of a conserved nucleotide located within the interface of the amino-terminal SH2 (N-SH2) and catalytic (PTP) domains. 4/4 in silico tools predict a damaging outcome for this variant (SNPs&GO not captured due to low reliability index). This variant is absent in 121392 control chromosomes while it was reported in several Noonan Syndrome patients. In one of these patients, the variant proved to be de novo, strongly supporting a pathogenic impact. Furthermore, mutations affecting the same codon Asp61Ala, Asp61Asn, Asp61Gly are listed in databases (HGMD, ClinVar) as pathogenic indicating the variant to be located in a mutational hotspot and the clinical relevance of the Asp61 residue. Considering all evidence, the variant was classified as pathogenic.

PreventionGenetics, part of Exact Sciences
Classification: Pathogenic for PTPN11-related condition. Last evaluated: 2024-07-11. Review status: no assertion criteria provided. Collection method: clinical testing. Allele origin: germline. Not counted in ClinVar's aggregate classification.
Comment: The PTPN11 c.181G>C variant is predicted to result in the amino acid substitution p.Asp61His. This variant has been reported in multiple unrelated individuals with Noonan syndrome, and this variant was occurred to be de novo in some of them (see for example, Houweling et al. 2010. PubMed ID: 20112233; Strullu et al. 2014. PubMed ID: 25097206; Leach et al. 2018. PubMed ID: 29907801). This variant has not been reported in a large population database, indicating this variant is rare. This variant is interpreted as pathogenic.

Literature cited by the submitters: PubMed 32164556 (cited by Prenatal Diagnosis Unit, University Medical Center at Ho Chi Minh City, University of Medicine and Pharmacy at Ho Chi Minh City); PubMed 11992261 (cited by Prenatal Diagnosis Unit, University Medical Center at Ho Chi Minh City, University of Medicine and Pharmacy at Ho Chi Minh City); PubMed 25097206 (cited by 3 submitters); PubMed 26242988 (cited by Prenatal Diagnosis Unit, University Medical Center at Ho Chi Minh City, University of Medicine and Pharmacy at Ho Chi Minh City and Labcorp Genetics (formerly Invitae), Labcorp); PubMed 15834506 (cited by Prenatal Diagnosis Unit, University Medical Center at Ho Chi Minh City, University of Medicine and Pharmacy at Ho Chi Minh City and Labcorp Genetics (formerly Invitae), Labcorp); PubMed 16358218 (cited by Prenatal Diagnosis Unit, University Medical Center at Ho Chi Minh City, University of Medicine and Pharmacy at Ho Chi Minh City and Labcorp Genetics (formerly Invitae), Labcorp); PubMed 24150203 (cited by Prenatal Diagnosis Unit, University Medical Center at Ho Chi Minh City, University of Medicine and Pharmacy at Ho Chi Minh City and Labcorp Genetics (formerly Invitae), Labcorp); PubMed 27521173 (cited by Prenatal Diagnosis Unit, University Medical Center at Ho Chi Minh City, University of Medicine and Pharmacy at Ho Chi Minh City and Labcorp Genetics (formerly Invitae), Labcorp); PubMed 20112233 (cited by 3 submitters); PubMed 29907801 (cited by Ambry Genetics); PubMed 15842656 (cited by Women's Health and Genetics/Laboratory Corporation of America, LabCorp); PubMed 25253770 (cited by Women's Health and Genetics/Laboratory Corporation of America, LabCorp).

NM_002834.5(PTPN11):c.181G>C (p.Asp61His)

Gene: PTPN11 (protein tyrosine phosphatase non-receptor type 11; plus strand). Cytogenetic location: 12q24.13.
Variant type: single nucleotide variant.
Coding change: c.181G>C on transcript NM_002834.5 (MANE Select); coding-DNA position 181, G replaced by C.
Protein change: p.Asp61His; replaces aspartic acid 61 with histidine.
Molecular consequence: missense variant.
Genome position (GRCh38, 1-based): chr12:112,450,361, G>C. VCF-style: chr12-112450361-G-C. GRCh37 (hg19) VCF-style: chr12-112888165-G-C.
Other names: p.D61H:GAT>CAT; c.181G>C, p.Asp61His (NM_001330437.2, NM_080601.3); c.178G>C, p.Asp60His (NM_001374625.1); c.181G>C (NM_002834.4); short protein forms D61H, D60H.
Identifiers: ClinVar variation 40494 (VCV000040494.10), dbSNP rs397507510, ClinGen allele CA282070.